The following is an entry in ClinVar:

NM_016932.5(SIX2):c.773C>T (p.Pro258Leu)

Gene: SIX2 (SIX homeobox 2; minus strand). Cytogenetic location: 2p21.
Variant type: single nucleotide variant.
Coding change: c.773C>T on transcript NM_016932.5 (MANE Select); coding-DNA position 773, C replaced by T.
Protein change: p.Pro258Leu; replaces proline 258 with leucine.
Molecular consequence: missense variant.
Genome position (GRCh38, 1-based): chr2:45,006,273, G>A on the plus strand (C>T on the coding strand, the complement: SIX2 is on the minus strand). VCF-style: chr2-45006273-G-A. GRCh37 (hg19) VCF-style: chr2-45233412-G-A.
Other names: c.773C>T (NM_016932.4); short protein forms P258L.
Identifiers: ClinVar variation 2185533 (VCV002185533.6), dbSNP rs373961258, ClinGen allele CA1642471.

ClinVar aggregate classification (germline): Uncertain significance. Review status: criteria provided, multiple submitters, no conflicts (2 of 4 stars). 2 submissions from 2 submitters: Uncertain significance (2). Last evaluated 2025-02-21.

Allele frequency attached by ClinVar (database versions not stated): gnomAD 0.00001; ESP Exome Variant Server 0.00008.
gnomAD v4.1: 52 of 1,614,034 alleles (0.0032%); highest among the groups gnomAD compares: Admixed American, 0.017%; no homozygotes.

Submissions (2):

Ambry Genetics
Classification: Uncertain significance. Last evaluated: 2025-02-21. Review status: criteria provided, single submitter. Criteria: Ambry Variant Classification Scheme 2023. Collection method: clinical testing. Allele origin: germline.

Labcorp Genetics (formerly Invitae), Labcorp
Classification: Uncertain significance. Last evaluated: 2024-10-11. Review status: criteria provided, single submitter. Criteria: Invitae Variant Classification Sherloc (09022015). Collection method: clinical testing. Allele origin: germline.
Comment: This sequence change replaces proline, which is neutral and non-polar, with leucine, which is neutral and non-polar, at codon 258 of the SIX2 protein (p.Pro258Leu). This variant is present in population databases (rs373961258, gnomAD 0.03%). This variant has not been reported in the literature in individuals affected with SIX2-related conditions. ClinVar contains an entry for this variant (Variation ID: 2185533). An algorithm developed to predict the effect of missense changes on protein structure and function (PolyPhen-2) suggests that this variant is likely to be tolerated. In summary, the available evidence is currently insufficient to determine the role of this variant in disease. Therefore, it has been classified as a Variant of Uncertain Significance.